The following is an entry in ClinVar:

ClinVar aggregate classification (germline): Uncertain significance. Review status: criteria provided, multiple submitters, no conflicts (2 of 4 stars). 8 submissions from 8 submitters: Uncertain significance (3). 5 of the submissions do not count toward it. Last evaluated 2024-04-16.

Conditions:
Cardiomyopathy (CMYO). Also called: Cardiomyopathies. Identifiers: Orphanet 167848, MedGen C0878544, MONDO:0004994, HP:0001638. Inheritance: Various modes of inheritance.
Arrhythmogenic cardiomyopathy with wooly hair and keratoderma. Also called: Dilated cardiomyopathy with woolly hair and keratoderma; PALMOPLANTAR KERATODERMA WITH LEFT VENTRICULAR CARDIOMYOPATHY AND WOOLLY HAIR; Carvajal syndrome; Arrhythmogenic cardiomyopathy with woolly hair and keratoderma. Identifiers: Orphanet 65282, MedGen C1854063, MONDO:0011581, OMIM 605676.
Arrhythmogenic right ventricular dysplasia 8 (ARVD8). Also called: Arrhythmogenic Right Ventricular Dysplasia/Cardiomyopathy 8; ARRHYTHMOGENIC RIGHT VENTRICULAR DYSPLASIA, FAMILIAL, 8; ARRHYTHMOGENIC RIGHT VENTRICULAR CARDIOMYOPATHY 8. Identifiers: MedGen C1843896, MONDO:0011831, OMIM 607450.

Allele frequency attached by ClinVar (database versions not stated): TOPMed below 0.00001; gnomAD 0.00001; gnomAD exomes 0.00001.
gnomAD v4.1: 12 of 1,614,074 alleles (0.00074%); highest among the groups gnomAD compares: Non-Finnish European, 0.00093%; no homozygotes.

Submissions (8):

All of Us Research Program, National Institutes of Health
Classification: Uncertain significance for Arrhythmogenic cardiomyopathy with wooly hair and keratoderma. Last evaluated: 2024-04-16. Review status: criteria provided, single submitter. Criteria: ACMG Guidelines, 2015. Collection method: clinical testing. Allele origin: germline. Inheritance: Autosomal dominant inheritance. Observed: 1 variant allele, 1 heterozygote.
Comment: This missense variant replaces glycine with alanine at codon 2020 of the DSP protein. Computational prediction is inconclusive regarding the impact of this variant on protein structure and function. To our knowledge, functional studies have not been reported for this variant. This variant has been reported in an individual cardiomyopathy and in an individual with arrhythmia (PMID: 30847666). This variant has been identified in 2/250860 chromosomes in the general population by the Genome Aggregation Database (gnomAD). The available evidence is insufficient to determine the role of this variant in disease conclusively. Therefore, this variant is classified as a Variant of Uncertain Significance.

This study involves interpretation of variants in research participants for the purpose of population health screening. Participant phenotype was not available at the time of variant classification. Additional details can be found in publication PMID: 35346344, PMCID: PMC8962531

Color Diagnostics, LLC DBA Color Health
Classification: Uncertain significance for Cardiomyopathy. Last evaluated: 2024-03-19. Review status: criteria provided, single submitter. Criteria: ACMG Guidelines, 2015. Collection method: clinical testing. Allele origin: germline.
Comment: This missense variant replaces glycine with alanine at codon 2020 of the DSP protein. Computational prediction is inconclusive regarding the impact of this variant on protein structure and function. To our knowledge, functional studies have not been reported for this variant. This variant has been reported in an individual cardiomyopathy and in an individual with arrhythmia (PMID: 30847666). This variant has been identified in 2/250860 chromosomes in the general population by the Genome Aggregation Database (gnomAD). The available evidence is insufficient to determine the role of this variant in disease conclusively. Therefore, this variant is classified as a Variant of Uncertain Significance.

Labcorp Genetics (formerly Invitae), Labcorp
Classification: Uncertain significance for Arrhythmogenic cardiomyopathy with wooly hair and keratoderma; Arrhythmogenic right ventricular dysplasia 8. Last evaluated: 2023-12-30. Review status: criteria provided, single submitter. Criteria: Invitae Variant Classification Sherloc (09022015). Collection method: clinical testing. Allele origin: germline.
Comment: This sequence change replaces glycine, which is neutral and non-polar, with alanine, which is neutral and non-polar, at codon 2020 of the DSP protein (p.Gly2020Ala). This variant is present in population databases (no rsID available, gnomAD 0.002%). This missense change has been observed in individual(s) with dilated cardiomyopathy (PMID: 32880476). ClinVar contains an entry for this variant (Variation ID: 1175027). An algorithm developed to predict the effect of missense changes on protein structure and function (PolyPhen-2) suggests that this variant is likely to be disruptive. In summary, the available evidence is currently insufficient to determine the role of this variant in disease. Therefore, it has been classified as a Variant of Uncertain Significance.

Clinical Genetics DNA and cytogenetics Diagnostics Lab, Erasmus MC, Erasmus Medical Center
Classification: Uncertain significance. Review status: no assertion criteria provided. Collection method: clinical testing. Allele origin: germline. Affected: yes. Study: VKGL Data-share Consensus. Not counted in ClinVar's aggregate classification.

Clinical Genetics, Academic Medical Center
Classification: Uncertain significance. Review status: no assertion criteria provided. Collection method: clinical testing. Allele origin: germline. Affected: yes. Study: VKGL Data-share Consensus. Not counted in ClinVar's aggregate classification.

Diagnostic Laboratory, Department of Genetics, University Medical Center Groningen
Classification: Uncertain significance. Review status: no assertion criteria provided. Collection method: clinical testing. Allele origin: germline. Affected: yes. Study: VKGL Data-share Consensus. Not counted in ClinVar's aggregate classification.

Genome Diagnostics Laboratory, University Medical Center Utrecht
Classification: Uncertain significance. Review status: no assertion criteria provided. Collection method: clinical testing. Allele origin: germline. Affected: yes. Study: VKGL Data-share Consensus. Not counted in ClinVar's aggregate classification.

Joint Genome Diagnostic Labs from Nijmegen and Maastricht, Radboudumc and MUMC+
Classification: Uncertain significance. Review status: no assertion criteria provided. Collection method: clinical testing. Allele origin: germline. Affected: yes. Study: VKGL Data-share Consensus. Not counted in ClinVar's aggregate classification.

Literature cited by the submitters: PubMed 30847666 (cited by All of Us Research Program, National Institutes of Health and Color Diagnostics, LLC DBA Color Health); PubMed 32880476 (cited by Labcorp Genetics (formerly Invitae), Labcorp).

NM_004415.4(DSP):c.6059G>C (p.Gly2020Ala)

Gene: DSP (desmoplakin; plus strand). Cytogenetic location: 6p24.3.
Variant type: single nucleotide variant.
Coding change: c.6059G>C on transcript NM_004415.4 (MANE Select); coding-DNA position 6059, G replaced by C.
Protein change: p.Gly2020Ala; replaces glycine 2020 with alanine.
Molecular consequence: missense variant.
Genome position (GRCh38, 1-based): chr6:7,583,321, G>C. VCF-style: chr6-7583321-G-C. GRCh37 (hg19) VCF-style: chr6-7583554-G-C.
Other names: c.4262G>C, p.Gly1421Ala (NM_001008844.3); c.4730G>C, p.Gly1577Ala (NM_001319034.2); short protein forms G1421A, G1577A, G2020A.
Identifiers: ClinVar variation 1175027 (VCV001175027.12), dbSNP rs1327599046, ClinGen allele CA362689996.